The following is an entry in ClinVar:

NM_005422.4(TECTA):c.3997A>G (p.Ile1333Val)

Genes: TBCEL-TECTA (TBCEL-TECTA readthrough; plus strand), TECTA (tectorin alpha; plus strand). Cytogenetic location: 11q23.3.
Variant type: single nucleotide variant.
Coding change: c.3997A>G on transcript NM_005422.4 (MANE Select); coding-DNA position 3997, A replaced by G.
Protein change: p.Ile1333Val; replaces isoleucine 1333 with valine.
Molecular consequence: missense variant.
Genome position (GRCh38, 1-based): chr11:121,146,008, A>G. VCF-style: chr11-121146008-A-G. GRCh37 (hg19) VCF-style: chr11-121016717-A-G.
Other names: c.4954A>G, p.Ile1652Val (NM_001378761.1); short protein forms I1333V, I1652V.
Identifiers: ClinVar variation 2663054 (VCV002663054.1), dbSNP rs1044640652, ClinGen allele CA229831782.

ClinVar aggregate classification (germline): Uncertain significance (1 of 4 stars; one submission).

Allele frequency attached by ClinVar (database versions not stated): gnomAD 0.00001.

Submission:

GeneDx
Classification: Uncertain significance. Last evaluated: 2023-05-01. Review status: criteria provided, single submitter. Criteria: GeneDx Variant Classification Process June 2021. Collection method: clinical testing. Allele origin: germline. Affected: yes.
Comment: Not observed at significant frequency in large population cohorts (gnomAD); In silico analysis supports that this missense variant does not alter protein structure/function; Located within the ZA, zonadhesin domain (Yasukawa et al., 2019; Verhoeven et al., 1998; Hildebrand et al., 2011); Has not been previously published as pathogenic or benign to our knowledge; This variant is associated with the following publications: (PMID: 31554319, 9590290, 21520338)